The following is an entry in ClinVar:

NM_000138.5(FBN1):c.5353_5354del (p.Met1785fs)

Gene: FBN1 (fibrillin 1; minus strand). Cytogenetic location: 15q21.1.
Variant type: Deletion.
Coding change: c.5353_5354del on transcript NM_000138.5 (MANE Select); coding-DNA positions 5353 to 5354, 2 bases deleted (AT; older notation c.5353_5354delAT).
Protein change: p.Met1785fs; shifts the reading frame from methionine 1785.
Molecular consequence: frameshift variant.
Genome position (GRCh38, 1-based): chr15:48,456,705-48,456,706, AT deleted on the plus strand (AT on the coding strand, the reverse complement: FBN1 is on the minus strand). VCF-style (leftmost placement, unchanged base first): chr15-48456704-CAT-C. GRCh37 (hg19) VCF-style: chr15-48748901-CAT-C.
Other names: c.5353_5354delAT, p.Met1785Glyfs (NM_000138.4); c.5353_5354del, p.Met1785fs (NM_001406716.1); short protein forms M1785fs.
Identifiers: ClinVar variation 3374706 (VCV003374706.2).

ClinVar aggregate classification (germline): Likely pathogenic (1 of 4 stars; one submission).

Conditions:
Marfan syndrome (MFS). Also called: MARFAN SYNDROME, TYPE I; Marfan syndrome type 1; Marfan's syndrome; FBN1-Related Marfan Syndrome; Marfan syndrome, classic. Identifiers: Orphanet 284963, Orphanet 558, MedGen C0024796, MONDO:0007947, OMIM 154700.

Submission:

Molecular Genetics Laboratory, Motol Hospital
Classification: Likely pathogenic for Marfan syndrome. Last evaluated: 2024-11-06. Review status: criteria provided, single submitter. Criteria: ACMG Guidelines, 2015. Collection method: clinical testing. Allele origin: de novo. Affected: yes. Observed: 1 variant allele.
Comment: The variant was confirmed to be of a de novo origin. Rare truncating variants affecting the FBN1 gene are well documented as a molecular cause of Marfan syndrome (OMIM:154700) (PMID:30048161;26796135). To conclude, the variant is classified as pathogenic (ACMG PVS1, PM2, PS2).

Literature cited by the submitters: PubMed 30048161; PubMed 26796135.